The following is an entry in ClinVar:

ClinVar aggregate classification (germline): Uncertain significance. Review status: criteria provided, multiple submitters, no conflicts (2 of 4 stars). 3 submissions from 3 submitters: Uncertain significance (3). Last evaluated 2024-05-15.

Conditions:
Rhabdoid tumor predisposition syndrome 2 (RTPS2). Identifiers: Orphanet 231108, Orphanet 69077, MedGen C2750074, MONDO:0013224, OMIM 613325.
Hereditary cancer-predisposing syndrome. Also called: Hereditary Cancer Syndrome; Tumor predisposition; Hereditary neoplastic syndrome; Neoplastic Syndromes, Hereditary. Identifiers: Orphanet 140162, MedGen C0027672, MeSH D009386, MONDO:0015356.

Allele frequency attached by ClinVar (database versions not stated): gnomAD exomes below 0.00001.
gnomAD v4.1: 1 of 1,606,110 alleles (0.000062%); highest among the groups gnomAD compares: Non-Finnish European, 0.000085%; no homozygotes.

Submissions (3):

Ambry Genetics
Classification: Uncertain significance for Hereditary cancer-predisposing syndrome. Last evaluated: 2024-05-15. Review status: criteria provided, single submitter. Criteria: Ambry Variant Classification Scheme 2023. Collection method: clinical testing. Allele origin: germline.
Comment: The p.S1591N variant (also known as c.4772G>A), located in coding exon 33 of the SMARCA4 gene, results from a G to A substitution at nucleotide position 4772. The serine at codon 1591 is replaced by asparagine, an amino acid with highly similar properties. This amino acid position is conserved. In addition, this alteration is predicted to be tolerated by in silico analysis. Based on the available evidence, the clinical significance of this variant remains unclear.

Labcorp Genetics (formerly Invitae), Labcorp
Classification: Uncertain significance for Rhabdoid tumor predisposition syndrome 2. Last evaluated: 2022-11-22. Review status: criteria provided, single submitter. Criteria: Invitae Variant Classification Sherloc (09022015). Collection method: clinical testing. Allele origin: germline.
Comment: In summary, the available evidence is currently insufficient to determine the role of this variant in disease. Therefore, it has been classified as a Variant of Uncertain Significance. Advanced modeling of protein sequence and biophysical properties (such as structural, functional, and spatial information, amino acid conservation, physicochemical variation, residue mobility, and thermodynamic stability) has been performed at Invitae for this missense variant, however the output from this modeling did not meet the statistical confidence thresholds required to predict the impact of this variant on SMARCA4 protein function. This variant has not been reported in the literature in individuals affected with SMARCA4-related conditions. This variant is not present in population databases (gnomAD no frequency). This sequence change replaces serine, which is neutral and polar, with asparagine, which is neutral and polar, at codon 1591 of the SMARCA4 protein (p.Ser1591Asn).

Blueprint Genetics
Classification: Uncertain significance. Last evaluated: 2022-10-25. Review status: criteria provided, single submitter. Criteria: ACMG Guidelines, 2015. Collection method: clinical testing. Allele origin: germline.

NM_003072.5(SMARCA4):c.4676G>A (p.Ser1559Asn)

Gene: SMARCA4 (SWI/SNF related BAF chromatin remodeling complex subunit ATPase 4; plus strand). Cytogenetic location: 19p13.2.
Variant type: single nucleotide variant.
Coding change: c.4676G>A on transcript NM_003072.5 (MANE Select); coding-DNA position 4676, G replaced by A.
Protein change: p.Ser1559Asn; replaces serine 1559 with asparagine.
Molecular consequence: missense variant. On other transcripts: non-coding transcript variant (1).
Genome position (GRCh38, 1-based): chr19:11,059,793, G>A. VCF-style: chr19-11059793-G-A. GRCh37 (hg19) VCF-style: chr19-11170469-G-A.
Other names: c.4772G>A (NM_001128849.1); c.4676G>A, p.Ser1559Asn (NM_001128844.3); c.4586G>A, p.Ser1529Asn (NM_001128845.2); c.4583G>A, p.Ser1528Asn (NM_001128846.2); c.4577G>A, p.Ser1526Asn (NM_001128847.4, NM_001374457.1); c.4574G>A, p.Ser1525Asn (NM_001128848.2); c.4772G>A, p.Ser1591Asn (NM_001128849.3, NM_001387283.1); c.4673G>A, p.Ser1558Asn (NM_001411150.1); short protein forms S1529N, S1558N, S1591N, S1525N, S1526N, S1559N, S1528N.
Identifiers: ClinVar variation 2815560 (VCV002815560.5), dbSNP rs2147113919, ClinGen allele CA404079310.